The following is an entry in ClinVar:

ClinVar aggregate classification (germline): Pathogenic (1 of 4 stars; one submission).

Conditions:
Neuronal ceroid lipofuscinosis. Also called: Neuronal Ceroid Lipofuscinoses. Identifiers: Orphanet 216, Orphanet 79263, MedGen C0027877, MONDO:0016295. Disease mechanism: loss of function.

Submission:

Labcorp Genetics (formerly Invitae), Labcorp
Classification: Pathogenic for Neuronal ceroid lipofuscinosis. Last evaluated: 2021-10-27. Review status: criteria provided, single submitter. Criteria: Invitae Variant Classification Sherloc (09022015). Collection method: clinical testing. Allele origin: germline.
Comment: For these reasons, this variant has been classified as Pathogenic. This variant has not been reported in the literature in individuals affected with CLN3-related conditions. This variant is not present in population databases (gnomAD no frequency). This sequence change creates a premature translational stop signal (p.Ser12Argfs*43) in the CLN3 gene. It is expected to result in an absent or disrupted protein product. Loss-of-function variants in CLN3 are known to be pathogenic (PMID: 9311735, 28542676).

Literature cited by the submitters: PubMed 9311735; PubMed 28542676.

NM_001042432.2(CLN3):c.30del (p.Ser12fs)

Gene: CLN3 (CLN3 lysosomal/endosomal transmembrane protein, battenin; minus strand). Cytogenetic location: 16p12.1.
Variant type: Deletion.
Coding change: c.30del on transcript NM_001042432.2 (MANE Select); coding-DNA position 30, one base deleted (C; older notation c.30delC).
Protein change: p.Ser12fs; shifts the reading frame from serine 12.
Molecular consequence: frameshift variant. On other transcripts: 5 prime UTR variant (3).
Genome position (GRCh38, 1-based): chr16:28,491,730, G deleted on the plus strand (C on the coding strand, the reverse complement: CLN3 is on the minus strand). VCF-style (leftmost placement, unchanged base first): chr16-28491729-AG-A. GRCh37 (hg19) VCF-style: chr16-28503050-AG-A.
Other names: c.30del, p.Ser12fs (NM_000086.2, NM_001286104.2); c.-112del (NM_001286105.2); c.-54del (NM_001286109.2, NM_001286110.2); short protein forms S12fs.
Identifiers: ClinVar variation 1451800 (VCV001451800.6), dbSNP rs2141722729, ClinGen allele CA2573152254.